The following is an entry in ClinVar:

ClinVar aggregate classification (germline): Uncertain significance (1 of 4 stars; one submission).

Conditions:
Hereditary cancer-predisposing syndrome. Also called: Tumor predisposition; Hereditary Cancer Syndrome; Neoplastic Syndromes, Hereditary; Hereditary neoplastic syndrome. Identifiers: Orphanet 140162, MedGen C0027672, MeSH D009386, MONDO:0015356.

Submission:

Ambry Genetics
Classification: Uncertain significance for Hereditary cancer-predisposing syndrome. Last evaluated: 2019-01-18. Review status: criteria provided, single submitter. Criteria: Ambry Variant Classification Scheme 2023. Collection method: clinical testing. Allele origin: germline.
Comment: The p.E1009G variant (also known as c.3026A>G), located in coding exon 19 of the ATM gene, results from an A to G substitution at nucleotide position 3026. The glutamic acid at codon 1009 is replaced by glycine, an amino acid with similar properties. This amino acid position is highly conserved in available vertebrate species. In addition, the in silico prediction for this alteration is inconclusive. Since supporting evidence is limited at this time, the clinical significance of this alteration remains unclear.

NM_000051.4(ATM):c.3026A>G (p.Glu1009Gly)

Gene: ATM (ATM serine/threonine kinase; plus strand). Cytogenetic location: 11q22.3.
Variant type: single nucleotide variant.
Coding change: c.3026A>G on transcript NM_000051.4 (MANE Select); coding-DNA position 3026, A replaced by G.
Protein change: p.Glu1009Gly; replaces glutamic acid 1009 with glycine.
Molecular consequence: missense variant.
Genome position (GRCh38, 1-based): chr11:108,271,355, A>G. VCF-style: chr11-108271355-A-G. GRCh37 (hg19) VCF-style: chr11-108142082-A-G.
Other names: c.3026A>G, p.Glu1009Gly (NM_001351834.2); short protein forms E1009G.
Identifiers: ClinVar variation 822645 (VCV000822645.4), dbSNP rs1591604490, ClinGen allele CA382547507.